The following is an entry in ClinVar:

NM_000551.4(VHL):c.418C>G (p.Leu140Val)

Genes: VHL (von Hippel-Lindau tumor suppressor; plus strand), LOC107303340 (3p25 von Hippel-Lindau tumor suppressor, E3 ubiquitin protein ligase Alu-mediated recombination region; plus strand). Cytogenetic location: 3p25.3.
Variant type: single nucleotide variant.
Coding change: c.418C>G on transcript NM_000551.4 (MANE Select); coding-DNA position 418, C replaced by G.
Protein change: p.Leu140Val; replaces leucine 140 with valine.
Molecular consequence: missense variant. On other transcripts: intron variant (2).
Genome position (GRCh38, 1-based): chr3:10,146,591, C>G. VCF-style: chr3-10146591-C-G. GRCh37 (hg19) VCF-style: chr3-10188275-C-G.
Other names: c.*18-3196C>G (NM_001354723.2); c.341-3196C>G (NM_198156.3); short protein forms L140V.
Identifiers: ClinVar variation 1393300 (VCV001393300.8), dbSNP rs768637170, ClinGen allele CA040884.

ClinVar aggregate classification (germline): Uncertain significance. Review status: criteria provided, multiple submitters, no conflicts (2 of 4 stars). 2 submissions from 2 submitters: Uncertain significance (2). Last evaluated 2021-11-14.

Conditions:
Chuvash polycythemia. Also called: POLYCYTHEMIA, VHL-DEPENDENT. Identifiers: Orphanet 238557, MedGen C1837915, MONDO:0009892, OMIM 263400.
Von Hippel-Lindau syndrome (VHLS). Also called: VHL syndrome; von Hippel–Lindau syndrome; Von Hippel-Lindau. Identifiers: Orphanet 892, MedGen C0019562, MONDO:0008667, OMIM 193300. Disease mechanism: loss of function.
Hereditary cancer-predisposing syndrome. Also called: Hereditary neoplastic syndrome; Neoplastic Syndromes, Hereditary; Hereditary Cancer Syndrome; Tumor predisposition. Identifiers: Orphanet 140162, MedGen C0027672, MeSH D009386, MONDO:0015356.

Allele frequency attached by ClinVar (database versions not stated): gnomAD exomes below 0.00001; ExAC 0.00001.

Submissions (2):

Labcorp Genetics (formerly Invitae), Labcorp
Classification: Uncertain significance for Von Hippel-Lindau syndrome; Chuvash polycythemia. Last evaluated: 2021-11-14. Review status: criteria provided, single submitter. Criteria: Invitae Variant Classification Sherloc (09022015). Collection method: clinical testing. Allele origin: germline.
Comment: This variant has not been reported in the literature in individuals affected with VHL-related conditions. This sequence change replaces leucine, which is neutral and non-polar, with valine, which is neutral and non-polar, at codon 140 of the VHL protein (p.Leu140Val). This variant is present in population databases (rs768637170, gnomAD 0.003%). Advanced modeling of protein sequence and biophysical properties (such as structural, functional, and spatial information, amino acid conservation, physicochemical variation, residue mobility, and thermodynamic stability) performed at Invitae indicates that this missense variant is expected to disrupt VHL protein function. In summary, the available evidence is currently insufficient to determine the role of this variant in disease. Therefore, it has been classified as a Variant of Uncertain Significance.

Ambry Genetics
Classification: Uncertain significance for Hereditary cancer-predisposing syndrome. Last evaluated: 2020-01-06. Review status: criteria provided, single submitter. Criteria: Ambry Variant Classification Scheme 2023. Collection method: clinical testing. Allele origin: germline.
Comment: The p.L140V variant (also known as c.418C>G), located in coding exon 2 of the VHL gene, results from a C to G substitution at nucleotide position 418. The leucine at codon 140 is replaced by valine, an amino acid with highly similar properties. This amino acid position is well conserved in available vertebrate species. In addition, the in silico prediction for this alteration is inconclusive. Since supporting evidence is limited at this time, the clinical significance of this alteration remains unclear.